The following is an entry in ClinVar:

ClinVar aggregate classification (germline): Uncertain significance (1 of 4 stars; one submission).

Conditions:
Combined immunodeficiency due to ZAP70 deficiency (IMD48). Also called: Immunodeficiency 48; ZAP70 Deficiency. Identifiers: Orphanet 911, MedGen C2931299, MONDO:0010023, OMIM 269840.

gnomAD v4.1: 2 of 1,614,050 alleles (0.00012%); highest among the groups gnomAD compares: Non-Finnish European, 0.00017%; no homozygotes.

Submission:

Labcorp Genetics (formerly Invitae), Labcorp
Classification: Uncertain significance for Combined immunodeficiency due to ZAP70 deficiency. Last evaluated: 2022-01-13. Review status: criteria provided, single submitter. Criteria: Invitae Variant Classification Sherloc (09022015). Collection method: clinical testing. Allele origin: germline.
Comment: In summary, the available evidence is currently insufficient to determine the role of this variant in disease. Therefore, it has been classified as a Variant of Uncertain Significance. Algorithms developed to predict the effect of missense changes on protein structure and function are either unavailable or do not agree on the potential impact of this missense change (SIFT: "Not Available"; PolyPhen-2: "Possibly Damaging"; Align-GVGD: "Not Available"). This variant has not been reported in the literature in individuals affected with ZAP70-related conditions. This variant is not present in population databases (gnomAD no frequency). This sequence change replaces methionine, which is neutral and non-polar, with threonine, which is neutral and polar, at codon 447 of the ZAP70 protein (p.Met447Thr).

NM_001079.4(ZAP70):c.1340T>C (p.Met447Thr)

Gene: ZAP70 (zeta chain of T cell receptor associated protein kinase 70; plus strand). Cytogenetic location: 2q11.2.
Variant type: single nucleotide variant.
Coding change: c.1340T>C on transcript NM_001079.4 (MANE Select); coding-DNA position 1340, T replaced by C.
Protein change: p.Met447Thr; replaces methionine 447 with threonine.
Molecular consequence: missense variant.
Genome position (GRCh38, 1-based): chr2:97,737,523, T>C. VCF-style: chr2-97737523-T-C. GRCh37 (hg19) VCF-style: chr2-98353986-T-C.
Other names: c.1340T>C, p.Met447Thr (NM_001378594.1); c.419T>C, p.Met140Thr (NM_207519.2); short protein forms M447T, M140T.
Identifiers: ClinVar variation 1387903 (VCV001387903.8), dbSNP rs2104703094, ClinGen allele CA347803321.
Genomic context (GRCh38, chr2:97,737,523, plus strand): 5'-GCCACCCCAGGGAGGAGATCCCTGTGAGCAATGTGGCCGAGCTGCTGCACCAGGTGTCCA[T>C]GGGGATGAAGTACCTGGAGGAGAAGAACTTTGTGCACCGTGACCTGGCGGCCCGCAACGT-3'
Protein context (NP_001070.2, residues 437-457): NVAELLHQVS[Met447Thr]GMKYLEEKNF